The following is an entry in ClinVar:

ClinVar aggregate classification (germline): Conflicting classifications of pathogenicity. Review status: criteria provided, conflicting classifications (1 of 4 stars). 2 submissions from 2 submitters: Uncertain significance (1); Likely benign (1). Last evaluated 2025-12-30.

Conditions:
Hereditary cancer-predisposing syndrome. Also called: Neoplastic Syndromes, Hereditary; Hereditary neoplastic syndrome; Tumor predisposition; Hereditary Cancer Syndrome. Identifiers: Orphanet 140162, MedGen C0027672, MeSH D009386, MONDO:0015356.

Allele frequency attached by ClinVar (database versions not stated): gnomAD exomes 0.00001.
gnomAD v4.1: 8 of 1,594,280 alleles (0.0005%); highest among the groups gnomAD compares: East Asian, 0.018%; no homozygotes.

Submissions (2):

Ambry Genetics
Classification: Likely benign for Hereditary cancer-predisposing syndrome. Last evaluated: 2025-12-30. Review status: criteria provided, single submitter. Criteria: Ambry Variant Classification Scheme 2023. Collection method: clinical testing. Allele origin: germline.

Labcorp Genetics (formerly Invitae), Labcorp
Classification: Uncertain significance. Last evaluated: 2025-08-20. Review status: criteria provided, single submitter. Criteria: Invitae Variant Classification Sherloc (09022015). Collection method: clinical testing. Allele origin: germline.
Comment: This sequence change replaces asparagine, which is neutral and polar, with serine, which is neutral and polar, at codon 1521 of the POLE protein (p.Asn1521Ser). This variant is not present in population databases (gnomAD no frequency). This variant has not been reported in the literature in individuals affected with POLE-related conditions. ClinVar contains an entry for this variant (Variation ID: 575034). Invitae Evidence Modeling of protein sequence and biophysical properties (such as structural, functional, and spatial information, amino acid conservation, physicochemical variation, residue mobility, and thermodynamic stability) indicates that this missense variant is not expected to disrupt POLE protein function with a negative predictive value of 80%. In summary, the available evidence is currently insufficient to determine the role of this variant in disease. Therefore, it has been classified as a Variant of Uncertain Significance.

NM_006231.4(POLE):c.4562A>G (p.Asn1521Ser)

Gene: POLE (DNA polymerase epsilon, catalytic subunit; minus strand). Cytogenetic location: 12q24.33.
Variant type: single nucleotide variant.
Coding change: c.4562A>G on transcript NM_006231.4 (MANE Select); coding-DNA position 4562, A replaced by G.
Protein change: p.Asn1521Ser; replaces asparagine 1521 with serine.
Molecular consequence: missense variant.
Genome position (GRCh38, 1-based): chr12:132,642,986, T>C on the plus strand (A>G on the coding strand, the complement: POLE is on the minus strand). VCF-style: chr12-132642986-T-C. GRCh37 (hg19) VCF-style: chr12-133219572-T-C.
Other names: c.4562A>G (NM_006231.2); short protein forms N1521S.
Identifiers: ClinVar variation 575034 (VCV000575034.9), dbSNP rs1565938621, ClinGen allele CA387379347.